The following is an entry in ClinVar:

ClinVar aggregate classification (germline): Uncertain significance (1 of 4 stars; one submission).

Allele frequency attached by ClinVar (database versions not stated): gnomAD 0.00002; ExAC 0.00098.

Submissions (2):

GeneDx
Classification: Uncertain significance. Last evaluated: 2021-05-21. Review status: criteria provided, single submitter. Criteria: GeneDx Variant Classification Process June 2021. Collection method: clinical testing. Allele origin: germline. Affected: yes.
Comment: In silico analysis supports that this missense variant has a deleterious effect on protein structure/function; This variant is associated with the following publications: (PMID: 31040315)

Dr. Peter K. Rogan Lab, Western University
No classification provided (evidence only). Condition: Malignant tumor of urinary bladder. Review status: no classification provided. Collection method: in vitro. Allele origin: not applicable. Functional consequence: retained intron. Not counted in ClinVar's aggregate classification.

NM_001270974.2(HYDIN):c.8905C>T (p.Arg2969Trp)

Gene: HYDIN (HYDIN axonemal central pair apparatus protein; minus strand). Cytogenetic location: 16q22.2.
Variant type: single nucleotide variant.
Coding change: c.8905C>T on transcript NM_001270974.2 (MANE Select); coding-DNA position 8905, C replaced by T.
Protein change: p.Arg2969Trp; replaces arginine 2969 with tryptophan.
Molecular consequence: missense variant.
Genome position (GRCh38, 1-based): chr16:70,901,147, G>A on the plus strand (C>T on the coding strand, the complement: HYDIN is on the minus strand). VCF-style: chr16-70901147-G-A. GRCh37 (hg19) VCF-style: chr16-70935050-G-A.
Other names: NC_000016.9:g.70935050G>A; short protein forms R2969W.
Identifiers: ClinVar variation 1326606 (VCV001326606.3), dbSNP rs372194968, ClinGen allele CA8149688.